The following is an entry in ClinVar:

ClinVar aggregate classification (germline): Likely pathogenic. Review status: criteria provided, multiple submitters, no conflicts (2 of 4 stars). 3 submissions from 3 submitters: Likely pathogenic (3). Last evaluated 2025-03-20.

Conditions:
Autosomal recessive limb-girdle muscular dystrophy type 2D (LGMDR3). Also called: MUSCULAR DYSTROPHY, LIMB-GIRDLE, AUTOSOMAL RECESSIVE 3; DUCHENNE-LIKE AUTOSOMAL RECESSIVE MUSCULAR DYSTROPHY, TYPE 2; ADHALINOPATHY, PRIMARY. Identifiers: Orphanet 62, MedGen C2936332, MONDO:0011968, OMIM 608099. Disease mechanism: Affects gamma-sarcoglycan and also disrupts the integrity of the entire sarcoglycan complex..

Submissions (3):

Labcorp Genetics (formerly Invitae), Labcorp
Classification: Likely pathogenic for Autosomal recessive limb-girdle muscular dystrophy type 2D. Last evaluated: 2025-03-20. Review status: criteria provided, single submitter. Criteria: Invitae Variant Classification Sherloc (09022015). Collection method: clinical testing. Allele origin: germline.
Comment: This sequence change affects a donor splice site in intron 6 of the SGCA gene. It is expected to disrupt RNA splicing. Variants that disrupt the donor or acceptor splice site typically lead to a loss of protein function (PMID: 16199547), and loss-of-function variants in SGCA are known to be pathogenic (PMID: 9192266). This variant is not present in population databases (gnomAD no frequency). This variant has not been reported in the literature in individuals affected with SGCA-related conditions. Algorithms developed to predict the effect of sequence changes on RNA splicing suggest that this variant may disrupt the consensus splice site. In summary, the currently available evidence indicates that the variant is pathogenic, but additional data are needed to prove that conclusively. Therefore, this variant has been classified as Likely Pathogenic.

First Genomix Gene Laboratory, Genetic Diagnostics Department
Classification: Likely pathogenic for Autosomal recessive limb-girdle muscular dystrophy type 2D. Last evaluated: 2025-01-06. Review status: criteria provided, single submitter. Criteria: ACMG Guidelines, 2015. Collection method: clinical testing. Allele origin: germline. Inheritance: Autosomal recessive inheritance. Affected: no. Observed: 1 variant allele.

Natera, Inc.
Classification: Likely pathogenic for Limb-girdle muscular dystrophy type 2D. Last evaluated: 2024-08-01. Review status: criteria provided, single submitter. Criteria: Natera Variant Classification Schema (03/2026). Collection method: clinical testing. Allele origin: germline.
Comment: The c.747+2T>C variant in SGCA is a canonical splice donor site variant predicted to affect pre-mRNA splicing, which may result in an abnormal transcript and altered protein product. This variant is expected to result in nonsense mediated decay, truncation, or a dysfunctional protein product. This variant is rare in the general population with a frequency below the threshold expected for the associated phenotype(s). Given the available evidence, this variant is classified as Likely Pathogenic.

Literature cited by the submitters: PubMed 16199547 (cited by Labcorp Genetics (formerly Invitae), Labcorp); PubMed 9192266 (cited by Labcorp Genetics (formerly Invitae), Labcorp).

NM_000023.4(SGCA):c.747+2T>C

Gene: SGCA (sarcoglycan alpha; plus strand). Cytogenetic location: 17q21.33.
Variant type: single nucleotide variant.
Coding change: c.747+2T>C on transcript NM_000023.4 (MANE Select); the canonical splice donor site of the intron after coding-DNA position 747, T replaced by C.
Molecular consequence: splice donor variant. On other transcripts: intron variant (1).
Genome position (GRCh38, 1-based): chr17:50,169,256, T>C. VCF-style: chr17-50169256-T-C. GRCh37 (hg19) VCF-style: chr17-48246617-T-C.
Other names: c.747+2T>C (NM_000023.3); c.584+684T>C (NM_001135697.3).
Identifiers: ClinVar variation 3899293 (VCV003899293.3).
Genomic context (GRCh38, chr17:50,169,256, plus strand): 5'-TGTCTTGCTACGACACCTTGGCACCCCACTTCCGCGTTGACTGGTGCAATGTGACCCTGG[T>C]GAGGAGGGACCCTGGGTCCGGGGGTGGGGTGGGGCATGGCCCCCATCCCAGTCCCCCTTC-3'